The following is an entry in ClinVar:

NM_013265.4(VPS51):c.654G>C (p.Ser218=)

Gene: VPS51 (VPS51 subunit of GARP complex; plus strand). Cytogenetic location: 11q13.1.
Variant type: single nucleotide variant.
Coding change: c.654G>C on transcript NM_013265.4 (MANE Select); coding-DNA position 654, G replaced by C.
Protein change: p.Ser218=; no amino-acid change (serine 218 retained).
Molecular consequence: synonymous variant. On other transcripts: non-coding transcript variant (1).
Genome position (GRCh38, 1-based): chr11:65,107,951, G>C. VCF-style: chr11-65107951-G-C. GRCh37 (hg19) VCF-style: chr11-64875423-G-C.
Identifiers: ClinVar variation 2641944 (VCV002641944.25), dbSNP rs370039927, ClinGen allele CA6090398.

ClinVar aggregate classification (germline): Likely benign. Review status: criteria provided, multiple submitters, no conflicts (2 of 4 stars). 2 submissions from 2 submitters: Likely benign (2). Last evaluated 2022-04-01.

Allele frequency attached by ClinVar (database versions not stated): gnomAD 0.00004; TOPMed 0.00010; ESP Exome Variant Server 0.00015; ExAC 0.00028.
gnomAD v4.1: 133 of 1,567,232 alleles (0.0085%); highest among the groups gnomAD compares: Middle Eastern, 0.052%; no homozygotes.

Submissions (2):

CeGaT Center for Human Genetics Tuebingen
Classification: Likely benign. Last evaluated: 2022-04-01. Review status: criteria provided, single submitter. Criteria: CeGaT Center For Human Genetics Tuebingen Variant Classification Criteria Version 2. Collection method: clinical testing. Allele origin: germline. Affected: yes. Observed: 1 variant allele.
Comment: VPS51: BP4, BP7

Breakthrough Genomics
Classification: Likely benign. Review status: criteria provided, single submitter. Criteria: ACMG Guidelines, 2015. Collection method: not provided. Allele origin: germline. Inheritance: Autosomal recessive inheritance. Affected: yes.